The following is an entry in ClinVar:

NM_020975.6(RET):c.220G>A (p.Gly74Ser)

Gene: RET (ret proto-oncogene; plus strand). Cytogenetic location: 10q11.21.
Variant type: single nucleotide variant.
Coding change: c.220G>A on transcript NM_020975.6 (MANE Select); coding-DNA position 220, G replaced by A.
Protein change: p.Gly74Ser; replaces glycine 74 with serine.
Molecular consequence: missense variant.
Genome position (GRCh38, 1-based): chr10:43,100,605, G>A. VCF-style: chr10-43100605-G-A. GRCh37 (hg19) VCF-style: chr10-43596053-G-A.
Other names: c.220G>A, p.Gly74Ser (NM_000323.2, NM_001406743.1, NM_001406744.1 and 34 more transcripts); short protein forms G74S.
Identifiers: ClinVar variation 299886 (VCV000299886.22), dbSNP rs764938319, ClinGen allele CA037807.

ClinVar aggregate classification (germline): Conflicting classifications of pathogenicity. Review status: criteria provided, conflicting classifications (1 of 4 stars). 11 submissions from 8 submitters: Uncertain significance (7); Benign (3); Likely benign (1). Last evaluated 2025-11-25.

Conditions:
RET-related disorder. Also called: RET-related condition; RET-related disease; RET-related disorders.
Multiple endocrine neoplasia, type 2 (MEN2). Identifiers: Orphanet 653, MedGen C4048306, MONDO:0019003. Disease mechanism: gain of function.
Hirschsprung disease, susceptibility to, 1 (HSCR1). Also called: RET-Related Hirschsprung Disease. Identifiers: Orphanet 388, MedGen C3888239, MONDO:0007723, OMIM 142623.
Familial medullary thyroid carcinoma (MTC). Also called: Thyroid cancer, familial medullary; MTC, familial; Familial Medullary Thyroid Carcinoma (FMTC). Identifiers: Orphanet 653, Orphanet 99361, MedGen C1833921, MONDO:0007958, OMIM 155240.
Pheochromocytoma. Also called: MAX-Related Hereditary Paraganglioma-Pheochromocytoma Syndrome. Identifiers: Orphanet 29072, MedGen C0031511, MONDO:0008233, OMIM 171300, HP:0002666.
Multiple endocrine neoplasia type 2A. Also called: Multiple Endocrine Neoplasia Type 2A (MEN2A); MULTIPLE ENDOCRINE NEOPLASIA, TYPE IIA; PTC SYNDROME; SIPPLE SYNDROME; MEN 2A; MEN-2A syndrome. Identifiers: Orphanet 247698, Orphanet 653, MedGen C0025268, MeSH D018813, MONDO:0008234, OMIM 171400.
Multiple endocrine neoplasia type 2B. Also called: Multiple endocrine neoplasia, type 3; MEN 2B; MEN IIB; NEUROMATA, MUCOSAL, WITH ENDOCRINE TUMORS; Multiple Endocrine Neoplasia Type 2B (MEN2B); WAGENMANN-FROBOESE SYNDROME. Identifiers: Orphanet 247709, Orphanet 653, MedGen C0025269, MeSH D018814, MONDO:0008082, OMIM 162300.
Multiple endocrine neoplasia. Identifiers: Orphanet 276161, MedGen C0027662, MONDO:0017169.
Renal hypodysplasia/aplasia 1 (RHDA1). Also called: RENAL APLASIA; HEREDITARY RENAL APLASIA. Identifiers: Orphanet 411709, MedGen C1619700, MONDO:0024519, OMIM 191830.
Hereditary cancer-predisposing syndrome. Also called: Hereditary neoplastic syndrome; Tumor predisposition; Neoplastic Syndromes, Hereditary; Hereditary Cancer Syndrome. Identifiers: Orphanet 140162, MedGen C0027672, MeSH D009386, MONDO:0015356.
Ovarian cancer. Also called: OVARIAN CANCER, SOMATIC. Identifiers: Orphanet 213500, MedGen C1140680, MONDO:0008170, OMIM 167000.

Allele frequency attached by ClinVar (database versions not stated): gnomAD 0.00002 and 0.00003; gnomAD exomes 0.00002 and 0.00004; TOPMed 0.00002; ExAC 0.00003.
gnomAD v4.1: 61 of 1,613,790 alleles (0.0038%); highest among the groups gnomAD compares: East Asian, 0.087%; no homozygotes.

Submissions (11):

Labcorp Genetics (formerly Invitae), Labcorp
Classification: Uncertain significance for Multiple endocrine neoplasia, type 2. Last evaluated: 2025-11-25. Review status: criteria provided, single submitter. Criteria: Invitae Variant Classification Sherloc (09022015). Collection method: clinical testing. Allele origin: germline.
Comment: This sequence change replaces glycine, which is neutral and non-polar, with serine, which is neutral and polar, at codon 74 of the RET protein (p.Gly74Ser). This variant is present in population databases (rs764938319, gnomAD 0.01%). This variant has not been reported in the literature in individuals affected with RET-related conditions. ClinVar contains an entry for this variant (Variation ID: 299886). An algorithm developed to predict the effect of missense changes on protein structure and function outputs the following: PolyPhen-2: "Benign". The serine amino acid residue is found in multiple mammalian species, which suggests that this missense change does not adversely affect protein function. In summary, the available evidence is currently insufficient to determine the role of this variant in disease. Therefore, it has been classified as a Variant of Uncertain Significance.

PreventionGenetics, part of Exact Sciences
Classification: Uncertain significance for RET-related condition. Last evaluated: 2025-09-22. Review status: criteria provided, single submitter. Criteria: ACMG Guidelines, 2015. Collection method: clinical testing. Allele origin: germline.
Comment: The RET c.220G>A variant is predicted to result in the amino acid substitution p.Gly74Ser. To our knowledge, this variant has not been reported in the literature. This variant is reported in 0.012% of alleles in individuals of African descent in gnomAD. At this time, the clinical significance of this variant is uncertain due to the absence of conclusive functional and genetic evidence.

Fulgent Genetics
Classification: Uncertain significance for Hirschsprung disease, susceptibility to, 1; Familial medullary thyroid carcinoma; Multiple endocrine neoplasia type 2B; Pheochromocytoma; Multiple endocrine neoplasia type 2A. Last evaluated: 2024-04-03. Review status: criteria provided, single submitter. Criteria: ACMG Guidelines, 2015. Collection method: clinical testing. Allele origin: germline.

All of Us Research Program, National Institutes of Health
Classification: Uncertain significance for Multiple endocrine neoplasia, type 2. Last evaluated: 2023-10-23. Review status: criteria provided, single submitter. Criteria: ACMG Guidelines, 2015. Collection method: clinical testing. Allele origin: germline. Inheritance: Autosomal dominant inheritance. Observed: 3 variant alleles, 3 heterozygotes.
Comment: This missense variant replaces glycine with serine at codon 74 of the RET protein. Computational prediction suggests that this variant may not impact protein structure and function (internally defined REVEL score threshold <= 0.5, PMID: 27666373). To our knowledge, functional studies have not been reported for this variant. This variant has not been reported in individuals affected with hereditary cancer in the literature. This variant has been identified in 5/250980 chromosomes in the general population by the Genome Aggregation Database (gnomAD). The available evidence is insufficient to determine the role of this variant in disease conclusively. Therefore, this variant is classified as a Variant of Uncertain Significance.

This study involves interpretation of variants in research participants for the purpose of population health screening. Participant phenotype was not available at the time of variant classification. Additional details can be found in publication PMID: 35346344, PMCID: PMC8962531

Department of Pathology and Laboratory Medicine, Sinai Health System
Classification: Uncertain significance for Hirschsprung disease, susceptibility to, 1; Familial medullary thyroid carcinoma; Multiple endocrine neoplasia type 2B; Pheochromocytoma; Multiple endocrine neoplasia type 2A. Last evaluated: 2023-06-09. Review status: criteria provided, single submitter. Criteria: ACMG Guidelines, 2015. Collection method: clinical testing. Allele origin: germline. Affected: no.

Laboratory of Molecular Epidemiology of Birth Defects, West China Second University Hospital, Sichuan University
Classification: Benign for Ovarian cancer. Last evaluated: 2022-01-01. Review status: criteria provided, single submitter. Criteria: ACMG Guidelines, 2015. Collection method: clinical testing. Allele origin: germline. Affected: yes.

Ambry Genetics
Classification: Likely benign for Hereditary cancer-predisposing syndrome. Last evaluated: 2021-11-08. Review status: criteria provided, single submitter. Criteria: Ambry Variant Classification Scheme 2023. Collection method: clinical testing. Allele origin: germline.

Illumina Laboratory Services, Illumina
Classification: Benign for Pheochromocytoma. Last evaluated: 2018-01-12. Review status: criteria provided, single submitter. Criteria: ICSL Variant Classification Criteria 13 December 2019. Collection method: clinical testing. Allele origin: germline.
Comment: This variant was observed in the ICSL laboratory as part of a predisposition screen in an ostensibly healthy population. It had not been previously curated by ICSL or reported in the Human Gene Mutation Database (HGMD: prior to June 1st, 2018), and was therefore a candidate for classification through an automated scoring system. Utilizing variant allele frequency, disease prevalence and penetrance estimates, and inheritance mode, an automated score was calculated to assess if this variant is too frequent to cause the disease. Based on the score and internal cut-off values, a variant classified as benign is not then subjected to further curation. The score for this variant resulted in a classification of benign for this disease.

Illumina Laboratory Services, Illumina
Classification: Uncertain significance for Renal hypodysplasia/aplasia 1. Last evaluated: 2018-01-12. Review status: criteria provided, single submitter. Criteria: ICSL Variant Classification Criteria 13 December 2019. Collection method: clinical testing. Allele origin: germline.

Illumina Laboratory Services, Illumina
Classification: Benign for Multiple endocrine neoplasia. Last evaluated: 2018-01-12. Review status: criteria provided, single submitter. Criteria: ICSL Variant Classification Criteria 13 December 2019. Collection method: clinical testing. Allele origin: germline.
Comment: the same text as in the submission from Illumina Laboratory Services, Illumina above.

Illumina Laboratory Services, Illumina
Classification: Uncertain significance for Hirschsprung disease, susceptibility to, 1. Last evaluated: 2018-01-12. Review status: criteria provided, single submitter. Criteria: ICSL Variant Classification Criteria 13 December 2019. Collection method: clinical testing. Allele origin: germline.

Literature cited by the submitters: PubMed 29192238 (cited by Ambry Genetics).